The following is an entry in ClinVar:

ClinVar aggregate classification (germline): Uncertain significance (1 of 4 stars; one submission).

Conditions:
Hereditary sensory and autonomic neuropathy type 7. Also called: Neuropathy, hereditary sensory and autonomic, type VII; HSAN VII. Identifiers: Orphanet 391397, MedGen C3809882, MONDO:0014244, OMIM 615548.
Familial episodic pain syndrome with predominantly lower limb involvement. Also called: Episodic pain syndrome, familial, 3. Identifiers: Orphanet 391384, Orphanet 391392, MedGen C3809899, MONDO:0014247, OMIM 615552.

Allele frequency attached by ClinVar (database versions not stated): ExAC 0.00001; gnomAD exomes 0.00001; ESP Exome Variant Server 0.00015.
gnomAD v4.1: 15 of 1,614,084 alleles (0.00093%); highest among the groups gnomAD compares: Non-Finnish European, 0.0012%; no homozygotes.

Submission:

Labcorp Genetics (formerly Invitae), Labcorp
Classification: Uncertain significance for Familial episodic pain syndrome with predominantly lower limb involvement; Hereditary sensory and autonomic neuropathy type 7. Last evaluated: 2023-08-17. Review status: criteria provided, single submitter. Criteria: Invitae Variant Classification Sherloc (09022015). Collection method: clinical testing. Allele origin: germline.
Comment: In summary, the available evidence is currently insufficient to determine the role of this variant in disease. Therefore, it has been classified as a Variant of Uncertain Significance. Experimental studies and prediction algorithms are not available or were not evaluated, and the functional significance of this variant is currently unknown. ClinVar contains an entry for this variant (Variation ID: 662313). This variant has not been reported in the literature in individuals affected with SCN11A-related conditions. This variant is present in population databases (rs150141467, gnomAD 0.002%). This sequence change creates a premature translational stop signal (p.Arg1481*) in the SCN11A gene. While this is not anticipated to result in nonsense mediated decay, it is expected to disrupt the last 311 amino acid(s) of the SCN11A protein.

NM_001349253.2(SCN11A):c.4441C>T (p.Arg1481Ter)

Gene: SCN11A (sodium voltage-gated channel alpha subunit 11; minus strand). Cytogenetic location: 3p22.2.
Variant type: single nucleotide variant.
Coding change: c.4441C>T on transcript NM_001349253.2 (MANE Select); coding-DNA position 4441, C replaced by T.
Protein change: p.Arg1481Ter; replaces arginine 1481 with a stop codon.
Molecular consequence: nonsense.
Genome position (GRCh38, 1-based): chr3:38,847,629, G>A on the plus strand (C>T on the coding strand, the complement: SCN11A is on the minus strand). VCF-style: chr3-38847629-G-A. GRCh37 (hg19) VCF-style: chr3-38889120-G-A.
Other names: c.4441C>T, p.Arg1481Ter (NM_014139.3); short protein forms R1481*.
Identifiers: ClinVar variation 662313 (VCV000662313.5), dbSNP rs150141467, ClinGen allele CA2321513.